The following is an entry in ClinVar:

ClinVar aggregate classification (germline): Uncertain significance (1 of 4 stars; one submission).

Conditions:
Pyruvate carboxylase deficiency. Also called: Pyruvate Carboxylase Deficiency Disease; ATAXIA WITH LACTIC ACIDOSIS II; LEIGH NECROTIZING ENCEPHALOPATHY DUE TO PYRUVATE CARBOXYLASE DEFICIENCY; LEIGH SYNDROME DUE TO PYRUVATE CARBOXYLASE DEFICIENCY; PC DEFICIENCY. Identifiers: Orphanet 3008, MedGen C0034341, MONDO:0009949, OMIM 266150.

Allele frequency attached by ClinVar (database versions not stated): TOPMed below 0.00001.
gnomAD v4.1: 3 of 1,614,032 alleles (0.00019%); highest among the groups gnomAD compares: Non-Finnish European, 0.00017%; no homozygotes.

Submission:

Labcorp Genetics (formerly Invitae), Labcorp
Classification: Uncertain significance for Pyruvate carboxylase deficiency. Last evaluated: 2023-10-13. Review status: criteria provided, single submitter. Criteria: Invitae Variant Classification Sherloc (09022015). Collection method: clinical testing. Allele origin: germline.
Comment: This sequence change replaces arginine, which is basic and polar, with tryptophan, which is neutral and slightly polar, at codon 631 of the PC protein (p.Arg631Trp). This variant is not present in population databases (gnomAD no frequency). This variant has not been reported in the literature in individuals affected with PC-related conditions. Advanced modeling of protein sequence and biophysical properties (such as structural, functional, and spatial information, amino acid conservation, physicochemical variation, residue mobility, and thermodynamic stability) has been performed at Invitae for this missense variant, however the output from this modeling did not meet the statistical confidence thresholds required to predict the impact of this variant on PC protein function. This variant disrupts the p.Arg631 amino acid residue in PC. Other variant(s) that disrupt this residue have been determined to be pathogenic (PMID: 18676167, 19306334). This suggests that this residue is clinically significant, and that variants that disrupt this residue are likely to be disease-causing. In summary, the available evidence is currently insufficient to determine the role of this variant in disease. Therefore, it has been classified as a Variant of Uncertain Significance.

Literature cited by the submitters: PubMed 18676167; PubMed 19306334.

NM_001040716.2(PC):c.1891C>T (p.Arg631Trp)

Gene: PC (pyruvate carboxylase; minus strand). Cytogenetic location: 11q13.2.
Variant type: single nucleotide variant.
Coding change: c.1891C>T on transcript NM_001040716.2 (MANE Select); coding-DNA position 1891, C replaced by T.
Protein change: p.Arg631Trp; replaces arginine 631 with tryptophan.
Molecular consequence: missense variant.
Genome position (GRCh38, 1-based): chr11:66,851,881, G>A on the plus strand (C>T on the coding strand, the complement: PC is on the minus strand). VCF-style: chr11-66851881-G-A. GRCh37 (hg19) VCF-style: chr11-66619352-G-A.
Other names: c.1891C>T, p.Arg631Trp (NM_000920.4, NM_022172.3); short protein forms R631W.
Identifiers: ClinVar variation 2900790 (VCV002900790.3), dbSNP rs1555016329, ClinGen allele CA381494540.
Genomic context (GRCh38, chr11:66,851,881, plus strand): 5'-AGCCCACAGCATTGGCCCCCCGCAGCAGCATCTGGAAAGGGATGTTGGGGATGAGCTCCC[G>A]GAGCTCCTGCAGCCGCCGCCAGGGGCACTCATACAGGAAGCGCATGGCGACGTCAAACGT-3'
Protein context (NP_001035806.1, residues 621-641): ECPWRRLQEL[Arg631Trp]ELIPNIPFQM